The following is an entry in ClinVar:

ClinVar aggregate classification (germline): Pathogenic (1 of 4 stars; one submission).

Conditions:
Familial cancer of breast. Also called: hereditary breast carcinoma; BREAST CANCER, FAMILIAL; Hereditary breast cancer. Identifiers: Orphanet 227535, MedGen C0346153, MONDO:0016419, OMIM 114480. Disease mechanism: loss of function.
Fanconi anemia complementation group J. Also called: BRIP1-Related Fanconi Anemia. Identifiers: Orphanet 84, MedGen C1836860, MONDO:0012187, OMIM 609054.

Submission:

Labcorp Genetics (formerly Invitae), Labcorp
Classification: Pathogenic for Familial cancer of breast; Fanconi anemia complementation group J. Last evaluated: 2022-05-09. Review status: criteria provided, single submitter. Criteria: Invitae Variant Classification Sherloc (09022015). Collection method: clinical testing. Allele origin: germline.
Comment: This variant is a gross deletion of the genomic region encompassing exon(s) 10-20 of the BRIP1 gene, which includes the termination codon. This deletion extends beyond the assayed region for this gene and therefore may encompass additional genes. While this deletion is not anticipated to lead to nonsense mediated decay, it is expected to alter mRNA translation or result in a truncated protein product. This variant has not been reported in the literature in individuals affected with BRIP1-related conditions. This variant disrupts the TopBP1-binding region of the BRIP1 protein, which plays a critical role in RPA chromatin loading and the activation of the replication checkpoint in response to DNA damage (PMID: 20159562, 21127055). While functional studies have not been performed to directly test the effect of this variant on BRIP1 protein function, this suggests that disruption of this region of the protein is causative of disease. This variant disrupts a region of the BRIP1 protein in which other variant(s) (deletion of exon 20) have been determined to be pathogenic (Invitae). This suggests that this is a clinically significant region of the protein, and that variants that disrupt it are likely to be disease-causing. For these reasons, this variant has been classified as Pathogenic.

Literature cited by the submitters: PubMed 20159562; PubMed 21127055.

NC_000017.10:g.(?_59760657)_(59871100_?)del

Gene: BRIP1 (BRCA1 interacting DNA helicase 1; minus strand). Cytogenetic location: 17q23.2.
Variant type: Deletion.
Identifiers: ClinVar variation 1459362 (VCV001459362.6).